The following is an entry in ClinVar:

NM_001267550.2(TTN):c.95158G>A (p.Val31720Ile)

Genes: TTN-AS1 (TTN antisense RNA 1; plus strand), TTN (titin; minus strand). Cytogenetic location: 2q31.2.
Variant type: single nucleotide variant.
Coding change: c.95158G>A on transcript NM_001267550.2 (MANE Select); coding-DNA position 95158, G replaced by A.
Protein change: p.Val31720Ile; replaces valine 31720 with isoleucine.
Molecular consequence: missense variant.
Genome position (GRCh38, 1-based): chr2:178,546,078, C>T on the plus strand (G>A on the coding strand, the complement: TTN is on the minus strand). VCF-style: chr2-178546078-C-T. GRCh37 (hg19) VCF-style: chr2-179410805-C-T.
Other names: c.90235G>A, p.Val30079Ile (NM_001256850.1); c.67963G>A, p.Val22655Ile (NM_003319.4); c.87454G>A, p.Val29152Ile (NM_133378.4); c.68338G>A, p.Val22780Ile (NM_133432.3); c.68539G>A, p.Val22847Ile (NM_133437.4); short protein forms V22655I, V29152I, V31720I, V22780I, V22847I, V30079I.
Identifiers: ClinVar variation 658630 (VCV000658630.9), dbSNP rs1575443877, ClinGen allele CA349466002.

ClinVar aggregate classification (germline): Uncertain significance (1 of 4 stars; one submission).

Conditions:
Dilated cardiomyopathy 1G (CMD1G). Identifiers: Orphanet 154, MedGen C1858763, MONDO:0011400, OMIM 604145.
Autosomal recessive limb-girdle muscular dystrophy type 2J (LGMDR10). Also called: Limb-girdle muscular dystrophy, type 2J; MUSCULAR DYSTROPHY, LIMB-GIRDLE, AUTOSOMAL RECESSIVE 10. Identifiers: Orphanet 140922, MedGen C1837342, MONDO:0012127, OMIM 608807.

gnomAD v4.1: 1 of 1,612,580 alleles (0.000062%); no homozygotes.

Submission:

Labcorp Genetics (formerly Invitae), Labcorp
Classification: Uncertain significance for Dilated cardiomyopathy 1G; Autosomal recessive limb-girdle muscular dystrophy type 2J. Last evaluated: 2022-08-16. Review status: criteria provided, single submitter. Criteria: Invitae Variant Classification Sherloc (09022015). Collection method: clinical testing. Allele origin: germline.
Comment: In summary, the available evidence is currently insufficient to determine the role of this variant in disease. Therefore, it has been classified as a Variant of Uncertain Significance. This variant is located in the A band of TTN (PMID: 25589632). Variants in this region may be relevant for cardiac or neuromuscular disorders (PMID: 25589632, 23975875). Algorithms developed to predict the effect of missense changes on protein structure and function output the following: SIFT: "Not Available"; PolyPhen-2: "Not Available"; Align-GVGD: "Not Available". The isoleucine amino acid residue is found in multiple mammalian species, which suggests that this missense change does not adversely affect protein function. ClinVar contains an entry for this variant (Variation ID: 658630). This variant has not been reported in the literature in individuals affected with TTN-related conditions. This variant is not present in population databases (gnomAD no frequency). This sequence change replaces valine, which is neutral and non-polar, with isoleucine, which is neutral and non-polar, at codon 31720 of the TTN protein (p.Val31720Ile).

Literature cited by the submitters: PubMed 25589632; PubMed 23975875.